The following is an entry in ClinVar:

ClinVar aggregate classification (germline): Likely pathogenic (1 of 4 stars; one submission).

Conditions:
Charcot-Marie-Tooth disease type 2. Also called: Charcot-Marie-Tooth type 2. Identifiers: Orphanet 64746, MedGen C0270914, MONDO:0018993.

Submission:

Labcorp Genetics (formerly Invitae), Labcorp
Classification: Likely pathogenic for Charcot-Marie-Tooth disease type 2. Last evaluated: 2024-01-11. Review status: criteria provided, single submitter. Criteria: Invitae Variant Classification Sherloc (09022015). Collection method: clinical testing. Allele origin: germline.
Comment: This variant results in a copy number gain of the genomic region encompassing exon(s) 2 of the LMNA gene. While the exact position of this variant cannot be determined from the data, sub-genic copy number gains are generally in tandem (PMID: 25640679). This variant is predicted to be out-of-frame, and may result in an absent or disrupted protein product. Loss-of-function variants in LMNA are known to be pathogenic (PMID: 18585512, 18926329). This variant has not been reported in the literature in individuals affected with LMNA-related conditions. In summary, the currently available evidence indicates that the variant is pathogenic, but additional data are needed to prove that conclusively. Therefore, this variant has been classified as Likely Pathogenic.

Literature cited by the submitters: PubMed 25640679; PubMed 18585512; PubMed 18926329.

NC_000001.10:g.(?_156100388)_(156100584_?)dup

Gene: LMNA (lamin A/C; plus strand). Cytogenetic location: 1q22.
Variant type: Duplication.
Identifiers: ClinVar variation 2427465 (VCV002427465.4).